The following is an entry in ClinVar:

NM_003126.4(SPTA1):c.4975C>T (p.Arg1659Ter)

Gene: SPTA1 (spectrin alpha, erythrocytic 1; minus strand). Cytogenetic location: 1q23.1.
Variant type: single nucleotide variant.
Coding change: c.4975C>T on transcript NM_003126.4 (MANE Select); coding-DNA position 4975, C replaced by T.
Protein change: p.Arg1659Ter; replaces arginine 1659 with a stop codon.
Molecular consequence: nonsense.
Genome position (GRCh38, 1-based): chr1:158,639,587, G>A on the plus strand (C>T on the coding strand, the complement: SPTA1 is on the minus strand). VCF-style: chr1-158639587-G-A. GRCh37 (hg19) VCF-style: chr1-158609377-G-A.
Other names: p.Arg1659*; short protein forms R1659*.
Identifiers: ClinVar variation 561993 (VCV000561993.22), dbSNP rs1394141324, ClinGen allele CA343029230.

ClinVar aggregate classification (germline): Pathogenic. Review status: criteria provided, multiple submitters, no conflicts (2 of 4 stars). 7 submissions from 7 submitters: Pathogenic (6). 1 of the submissions does not count toward it. Last evaluated 2026-01-14.

Conditions:
Pyropoikilocytosis, hereditary. Also called: Pyropoikilocytosis. Identifiers: MedGen C0520739, MONDO:0009948, OMIM 266140, HP:0004839. Disease mechanism: loss of function.
Hereditary spherocytosis type 3. Also called: SPTA1-Related Spherocytosis; Spherocytosis type 3. Identifiers: Orphanet 822, MedGen C2678338, MONDO:0010053, OMIM 270970.
Elliptocytosis 2 (EL2). Also called: ELLIPTOCYTOSIS, RHESUS-UNLINKED TYPE. Identifiers: Orphanet 288, MedGen C1851741, MONDO:0007533, OMIM 130600.

Allele frequency attached by ClinVar (database versions not stated): gnomAD 0.00001; TOPMed 0.00001.
gnomAD v4.1: 2 of 1,613,570 alleles (0.00012%); highest among the groups gnomAD compares: Non-Finnish European, 0.00017%; no homozygotes.

Submissions (7):

Labcorp Genetics (formerly Invitae), Labcorp
Classification: Pathogenic. Last evaluated: 2026-01-14. Review status: criteria provided, single submitter. Criteria: Invitae Variant Classification Sherloc (09022015). Collection method: clinical testing. Allele origin: germline.
Comment: This sequence change creates a premature translational stop signal (p.Arg1659*) in the SPTA1 gene. It is expected to result in an absent or disrupted protein product. Loss-of-function variants in SPTA1 are known to be pathogenic (PMID: 9192783, 18815189, 31333484, 31723846, 32266426). This variant is not present in population databases (gnomAD no frequency). This premature translational stop signal has been observed in individual(s) with clinical features of SPTA1-related conditions (PMID: 18815189, 30275003). ClinVar contains an entry for this variant (Variation ID: 561993). For these reasons, this variant has been classified as Pathogenic.

Clinical Genomics Laboratory, Washington University in St. Louis
Classification: Pathogenic for Elliptocytosis 2; Hereditary spherocytosis type 3; Pyropoikilocytosis, hereditary. Last evaluated: 2025-04-08. Review status: criteria provided, single submitter. Criteria: ACMG Guidelines, 2015. Collection method: clinical testing. Allele origin: germline. Affected: yes.
Comment: The SPTA1 c.4975C>T (p.Arg1659)* variant has been reported in two individuals affected with SPTA1-associated hereditary spherocytosis; both harbored this variant in trans with either a pathogenic variant or a variant of uncertain significance (Khurana M et al., PMID: 30275003; Tolpinrud W et al., PMID: 18815189). This variant was also reported in the heterozygous state in an individual undergoing evaluation for suspected Gilbert syndrome due to mild, asymptomatic hyperbilirubinemia and associated with elliptocytosis in the obligate carrier parent of the patient reported by Khurana et al. In the individual suspected as having Gilbert syndrome, elliptocytes and occasional spherocytes were found on peripheral blood smears (Khurana M et al., PMID: 30275003). The variant has been reported in the ClinVar database as pathogenic by six submitters (Variation ID: 561993). This is a nonsense variant that introduces a premature termination codon, predicted to lead to nonsense-mediated decay. It is observed in only 2 out of 1,613,570 alleles in the general population (gnomAD v.4.1), indicating that it is not a common variant. Based on the available information and the ACMG/AMP guidelines for variant interpretation (Richards S et al., PMID: 25741868), this variant is classified as pathogenic.

Revvity Omics, Revvity
Classification: Pathogenic. Last evaluated: 2024-11-05. Review status: criteria provided, single submitter. Criteria: ACMG Guidelines, 2015. Collection method: clinical testing. Allele origin: germline.

Mayo Clinic Laboratories, Mayo Clinic
Classification: Pathogenic. Last evaluated: 2024-05-01. Review status: criteria provided, single submitter. Criteria: ACMG Guidelines, 2015. Collection method: clinical testing. Allele origin: germline. Observed: 1 variant allele.
Comment: PM2_moderate, PS3, PVS1

ARUP Laboratories, Molecular Genetics and Genomics, ARUP Laboratories
Classification: Pathogenic. Last evaluated: 2023-10-04. Review status: criteria provided, single submitter. Criteria: ARUP Molecular Germline Variant Investigation Process 2024. Collection method: clinical testing. Allele origin: germline.
Comment: The SPTA1 c.4975C>T; p.Arg1659Ter variant (rs1394141324) is reported in at least four individuals affected with either elliptocytosis, severe transfusion-dependent anemia, or hereditary pyropoikilocytosis (Khurana 2018, Tolpinrud 2008). In vitro functional analyses demonstrate nearly complete loss of protein expression (Khurana 2018). This variant is reported in ClinVar (Variation ID: 561993). This variant is also absent from general population databases (Exome Variant Server, Genome Aggregation Database), indicating it is not a common polymorphism. This variant induces an early termination codon and is predicted to result in a truncated protein or mRNA subject to nonsense-mediated decay. Based on available information, this variant is considered to be pathogenic. REFERENCES Khurana M et al. Whole-exome sequencing enables correct diagnosis and surgical management of rare inherited childhood anemia. Cold Spring Harb Mol Case Stud. 2018 Oct. PMID: 30275003 Tolpinrud W et al. Nonsense mutations of the alpha-spectrin gene in hereditary pyropoikilocytosis. Haematologica. 2008 Nov. PMID: 18815189

GeneDx
Classification: Pathogenic. Last evaluated: 2021-10-22. Review status: criteria provided, single submitter. Criteria: GeneDx Variant Classification Process June 2021. Collection method: clinical testing. Allele origin: germline. Affected: yes.
Comment: Not observed at significant frequency in large population cohorts (Lek et al., 2016); Nonsense variant predicted to result in protein truncation or nonsense mediated decay in a gene for which loss-of-function is a known mechanism of disease; This variant is associated with the following publications: (PMID: 25525159, 30275003, 18815189)

Nalepa Lab, Indiana University School of Medicine
Classification: Pathogenic for Pyropoikilocytosis, hereditary. Last evaluated: 2018-09-09. Review status: no assertion criteria provided. Collection method: research. Allele origin: not applicable. Not counted in ClinVar's aggregate classification.

Literature cited by the submitters: PubMed 9192783 (cited by Labcorp Genetics (formerly Invitae), Labcorp); PubMed 18815189 (cited by Labcorp Genetics (formerly Invitae), Labcorp and Mayo Clinic Laboratories, Mayo Clinic); PubMed 31333484 (cited by Labcorp Genetics (formerly Invitae), Labcorp); PubMed 31723846 (cited by Labcorp Genetics (formerly Invitae), Labcorp); PubMed 32266426 (cited by Labcorp Genetics (formerly Invitae), Labcorp); PubMed 30275003 (cited by Labcorp Genetics (formerly Invitae), Labcorp and Mayo Clinic Laboratories, Mayo Clinic).